The following is an entry in ClinVar:

NM_006231.4(POLE):c.6828G>T (p.Trp2276Cys)

Gene: POLE (DNA polymerase epsilon, catalytic subunit; minus strand). Cytogenetic location: 12q24.33.
Variant type: single nucleotide variant.
Coding change: c.6828G>T on transcript NM_006231.4 (MANE Select); coding-DNA position 6828, G replaced by T.
Protein change: p.Trp2276Cys; replaces tryptophan 2276 with cysteine.
Molecular consequence: missense variant.
Genome position (GRCh38, 1-based): chr12:132,624,730, C>A on the plus strand (G>T on the coding strand, the complement: POLE is on the minus strand). VCF-style: chr12-132624730-C-A. GRCh37 (hg19) VCF-style: chr12-133201316-C-A.
Other names: c.6828G>T (NM_006231.2); short protein forms W2276C.
Identifiers: ClinVar variation 1427003 (VCV001427003.7), dbSNP rs2138421764, ClinGen allele CA387365644.

ClinVar aggregate classification (germline): Uncertain significance. Review status: criteria provided, multiple submitters, no conflicts (2 of 4 stars). 2 submissions from 2 submitters: Uncertain significance (2). Last evaluated 2025-07-14.

Conditions:
Hereditary cancer-predisposing syndrome. Also called: Tumor predisposition; Hereditary neoplastic syndrome; Neoplastic Syndromes, Hereditary; Hereditary Cancer Syndrome. Identifiers: Orphanet 140162, MedGen C0027672, MeSH D009386, MONDO:0015356.

Submissions (2):

Labcorp Genetics (formerly Invitae), Labcorp
Classification: Uncertain significance. Last evaluated: 2025-07-14. Review status: criteria provided, single submitter. Criteria: Invitae Variant Classification Sherloc (09022015). Collection method: clinical testing. Allele origin: germline.
Comment: This sequence change replaces tryptophan, which is neutral and slightly polar, with cysteine, which is neutral and slightly polar, at codon 2276 of the POLE protein (p.Trp2276Cys). This variant is not present in population databases (gnomAD no frequency). This variant has not been reported in the literature in individuals affected with POLE-related conditions. ClinVar contains an entry for this variant (Variation ID: 1427003). Invitae Evidence Modeling of protein sequence and biophysical properties (such as structural, functional, and spatial information, amino acid conservation, physicochemical variation, residue mobility, and thermodynamic stability) has been performed for this missense variant. However, the output from this modeling did not meet the statistical confidence thresholds required to predict the impact of this variant on POLE protein function. In summary, the available evidence is currently insufficient to determine the role of this variant in disease. Therefore, it has been classified as a Variant of Uncertain Significance.

Ambry Genetics
Classification: Uncertain significance for Hereditary cancer-predisposing syndrome. Last evaluated: 2025-04-21. Review status: criteria provided, single submitter. Criteria: Ambry Variant Classification Scheme 2023. Collection method: clinical testing. Allele origin: germline.
Comment: The p.W2276C variant (also known as c.6828G>T), located in coding exon 49 of the POLE gene, results from a G to T substitution at nucleotide position 6828. The tryptophan at codon 2276 is replaced by cysteine, an amino acid with highly dissimilar properties. This amino acid position is highly conserved in available vertebrate species. In addition, the in silico prediction for this alteration is inconclusive. Based on the available evidence, the clinical significance of this variant remains unclear.